The following is an entry in ClinVar:

ClinVar aggregate classification (germline): Conflicting classifications of pathogenicity. Review status: criteria provided, conflicting classifications (1 of 4 stars). 4 submissions from 4 submitters: Uncertain significance (3); Likely benign (1). Last evaluated 2026-01-23.

Conditions:
POLD1-related polyposis and colorectal cancer syndrome (CRCS10). Also called: Colorectal cancer 10; COLORECTAL CANCER, SUSCEPTIBILITY TO, ON CHROMOSOME 19q; Colorectal cancer, susceptibility to, 10. Identifiers: Orphanet 220460, MedGen C2675481, MONDO:0012953, OMIM 612591.
Hereditary cancer-predisposing syndrome. Also called: Neoplastic Syndromes, Hereditary; Hereditary neoplastic syndrome; Tumor predisposition; Hereditary Cancer Syndrome. Identifiers: Orphanet 140162, MedGen C0027672, MeSH D009386, MONDO:0015356.

Allele frequency attached by ClinVar (database versions not stated): gnomAD exomes 0.00001 and 0.00003; gnomAD 0.00003; TOPMed 0.00005; ESP Exome Variant Server 0.00008; ExAC 0.00011.
gnomAD v4.1: 12 of 1,552,794 alleles (0.00077%); highest among the groups gnomAD compares: African/African-American, 0.0082%; no homozygotes.

Submissions (4):

Labcorp Genetics (formerly Invitae), Labcorp
Classification: Uncertain significance for POLD1-related polyposis and colorectal cancer syndrome. Last evaluated: 2026-01-23. Review status: criteria provided, single submitter. Criteria: Invitae Variant Classification Sherloc (09022015). Collection method: clinical testing. Allele origin: germline.
Comment: This sequence change replaces glutamic acid, which is acidic and polar, with lysine, which is basic and polar, at codon 980 of the POLD1 protein (p.Glu980Lys). The frequency data for this variant in the population databases is considered unreliable, as metrics indicate poor data quality at this position in the gnomAD database. This variant has not been reported in the literature in individuals affected with POLD1-related conditions. ClinVar contains an entry for this variant (Variation ID: 469311). An algorithm developed to predict the effect of missense changes on protein structure and function (PolyPhen-2) suggests that this variant is likely to be tolerated. In summary, the available evidence is currently insufficient to determine the role of this variant in disease. Therefore, it has been classified as a Variant of Uncertain Significance.

Ambry Genetics
Classification: Likely benign for Hereditary cancer-predisposing syndrome. Last evaluated: 2025-08-12. Review status: criteria provided, single submitter. Criteria: Ambry Variant Classification Scheme 2023. Collection method: clinical testing. Allele origin: germline.

GeneDx
Classification: Uncertain significance. Last evaluated: 2023-07-26. Review status: criteria provided, single submitter. Criteria: GeneDx Variant Classification Process June 2021. Collection method: clinical testing. Allele origin: germline. Affected: yes.
Comment: Not observed at significant frequency in large population cohorts (gnomAD); In silico analysis supports that this missense variant has a deleterious effect on protein structure/function; Has not been previously published as pathogenic or benign to our knowledge

Quest Diagnostics Nichols Institute San Juan Capistrano
Classification: Uncertain significance. Last evaluated: 2017-11-10. Review status: criteria provided, single submitter. Criteria: Quest Diagnostics criteria. Collection method: clinical testing. Allele origin: germline.

NM_002691.4(POLD1):c.2938G>A (p.Glu980Lys)

Gene: POLD1 (DNA polymerase delta 1, catalytic subunit; plus strand). Cytogenetic location: 19q13.33.
Variant type: single nucleotide variant.
Coding change: c.2938G>A on transcript NM_002691.4 (MANE Select); coding-DNA position 2938, G replaced by A.
Protein change: p.Glu980Lys; replaces glutamic acid 980 with lysine.
Molecular consequence: missense variant. On other transcripts: non-coding transcript variant (1).
Genome position (GRCh38, 1-based): chr19:50,416,513, G>A. VCF-style: chr19-50416513-G-A. GRCh37 (hg19) VCF-style: chr19-50919770-G-A.
Other names: c.2938G>A, p.Glu980Lys (NM_001256849.1); c.3016G>A, p.Glu1006Lys (NM_001308632.1); short protein forms E980K, E1006K.
Identifiers: ClinVar variation 469311 (VCV000469311.18), dbSNP rs373389672, ClinGen allele CA9596688.